The following is an entry in ClinVar:

NM_001369.3(DNAH5):c.13180A>G (p.Arg4394Gly)

Gene: DNAH5 (dynein axonemal heavy chain 5; minus strand). Cytogenetic location: 5p15.2.
Variant type: single nucleotide variant.
Coding change: c.13180A>G on transcript NM_001369.3 (MANE Select); coding-DNA position 13180, A replaced by G.
Protein change: p.Arg4394Gly; replaces arginine 4394 with glycine.
Molecular consequence: missense variant.
Genome position (GRCh38, 1-based): chr5:13,708,281, T>C on the plus strand (A>G on the coding strand, the complement: DNAH5 is on the minus strand). VCF-style: chr5-13708281-T-C. GRCh37 (hg19) VCF-style: chr5-13708390-T-C.
Other names: short protein forms R4394G.
Identifiers: ClinVar variation 1439546 (VCV001439546.6), dbSNP rs1446970822, ClinGen allele CA359197838.

ClinVar aggregate classification (germline): Uncertain significance (1 of 4 stars; one submission).

Conditions:
Primary ciliary dyskinesia. Also called: Ciliary dyskinesia. Identifiers: Orphanet 244, MedGen C0008780, MONDO:0016575, HP:0012265.

Allele frequency attached by ClinVar (database versions not stated): gnomAD exomes below 0.00001.
gnomAD v4.1: 2 of 1,614,176 alleles (0.00012%); highest among the groups gnomAD compares: Non-Finnish European, 0.00017%; no homozygotes.

Submission:

Labcorp Genetics (formerly Invitae), Labcorp
Classification: Uncertain significance for Primary ciliary dyskinesia. Last evaluated: 2022-03-02. Review status: criteria provided, single submitter. Criteria: Invitae Variant Classification Sherloc (09022015). Collection method: clinical testing. Allele origin: germline.
Comment: Advanced modeling of protein sequence and biophysical properties (such as structural, functional, and spatial information, amino acid conservation, physicochemical variation, residue mobility, and thermodynamic stability) performed at Invitae indicates that this missense variant is not expected to disrupt DNAH5 protein function. In summary, the available evidence is currently insufficient to determine the role of this variant in disease. Therefore, it has been classified as a Variant of Uncertain Significance. This variant has not been reported in the literature in individuals affected with DNAH5-related conditions. This variant is present in population databases (no rsID available, gnomAD 0.0009%). This sequence change replaces arginine, which is basic and polar, with glycine, which is neutral and non-polar, at codon 4394 of the DNAH5 protein (p.Arg4394Gly).